The following is an entry in ClinVar:

NM_001375524.1(TRRAP):c.9050C>G (p.Ser3017Cys)

Gene: TRRAP (transformation/transcription domain associated protein; plus strand). Cytogenetic location: 7q22.1.
Variant type: single nucleotide variant.
Coding change: c.9050C>G on transcript NM_001375524.1 (MANE Select); coding-DNA position 9050, C replaced by G.
Protein change: p.Ser3017Cys; replaces serine 3017 with cysteine.
Molecular consequence: missense variant.
Genome position (GRCh38, 1-based): chr7:98,984,120, C>G. VCF-style: chr7-98984120-C-G. GRCh37 (hg19) VCF-style: chr7-98581743-C-G.
Other names: c.9062C>G (NM_001244580.1); c.9062C>G, p.Ser3021Cys (NM_001244580.2); c.8975C>G, p.Ser2992Cys (NM_003496.4); short protein forms S3017C, S2992C, S3021C.
Identifiers: ClinVar variation 2150393 (VCV002150393.7), dbSNP rs777318967, ClinGen allele CA368315054.

ClinVar aggregate classification (germline): Uncertain significance. Review status: criteria provided, multiple submitters, no conflicts (2 of 4 stars). 3 submissions from 3 submitters: Uncertain significance (3). Last evaluated 2026-01-17.

Conditions:
Inborn genetic diseases. Identifiers: MedGen C0950123, MeSH D030342.
Complex neurodevelopmental disorder with or without congenital anomalies. Identifiers: MedGen CN315647, MONDO:0100465.

gnomAD v4.1: 19 of 1,612,256 alleles (0.0012%); highest among the groups gnomAD compares: Non-Finnish European, 0.0016%; no homozygotes.

Submissions (3):

Dasa
Classification: Uncertain significance for complex neurodevelopmental disorder with or without congenital anomalies. Last evaluated: 2026-01-17. Review status: criteria provided, single submitter. Criteria: DASA Assertion Criteria. Collection method: clinical testing. Allele origin: germline.
Comment: NM_001375524.1(TRRAP):c.9050C>G (p.Ser3017Cys) is a missense variant that results in the substitution of serine with cysteine. This variant is rare in population databases. The currently available literature and clinical evidence are not sufficient to establish a definitive association between this variant and the reported condition. Therefore, this variant is classified as a variant of uncertain significance.

Labcorp Genetics (formerly Invitae), Labcorp
Classification: Uncertain significance. Last evaluated: 2025-09-03. Review status: criteria provided, single submitter. Criteria: Invitae Variant Classification Sherloc (09022015). Collection method: clinical testing. Allele origin: germline.
Comment: This sequence change replaces serine, which is neutral and polar, with cysteine, which is neutral and slightly polar, at codon 2992 of the TRRAP protein (p.Ser2992Cys). This variant is present in population databases (no rsID available, gnomAD 0.003%). This variant has not been reported in the literature in individuals affected with TRRAP-related conditions. ClinVar contains an entry for this variant (Variation ID: 2150393). Invitae Evidence Modeling of protein sequence and biophysical properties (such as structural, functional, and spatial information, amino acid conservation, physicochemical variation, residue mobility, and thermodynamic stability) has been performed for this missense variant. However, the output from this modeling did not meet the statistical confidence thresholds required to predict the impact of this variant on TRRAP protein function. In summary, the available evidence is currently insufficient to determine the role of this variant in disease. Therefore, it has been classified as a Variant of Uncertain Significance.

Ambry Genetics
Classification: Uncertain significance for Inborn genetic diseases. Last evaluated: 2025-08-27. Review status: criteria provided, single submitter. Criteria: Ambry Variant Classification Scheme 2023. Collection method: clinical testing. Allele origin: germline.